The following is an entry in ClinVar:

ClinVar aggregate classification (germline): Likely benign. Review status: criteria provided, multiple submitters, no conflicts (2 of 4 stars). 2 submissions from 2 submitters: Likely benign (2). Last evaluated 2025-12-20.

gnomAD v4.1: 888 of 1,596,540 alleles (0.056%); highest among the groups gnomAD compares: South Asian, 0.91%; 6 homozygotes.

Submissions (2):

Dasa
Classification: Likely benign. Last evaluated: 2025-12-20. Review status: criteria provided, single submitter. Criteria: DASA Assertion Criteria. Collection method: clinical testing. Allele origin: germline.
Comment: NM_001308632.1(POLD1):c.1796C>T (p.Ala599Val) is a missense variant that results in the substitution of alanine with valine. Population frequency is inconsistent with a disease-causing role for this variant, and observations in unaffected individuals support a benign interpretation. Therefore, based on the currently available evidence, this variant is classified as likely benign.

Blueprint Genetics
Classification: Likely benign. Last evaluated: 2024-10-22. Review status: criteria provided, single submitter. Criteria: ACMG Guidelines, 2015. Collection method: clinical testing. Allele origin: germline.

NM_002691.4(POLD1):c.1776-58C>T

Gene: POLD1 (DNA polymerase delta 1, catalytic subunit; plus strand). Cytogenetic location: 19q13.33.
Variant type: single nucleotide variant.
Coding change: c.1776-58C>T on transcript NM_002691.4 (MANE Select); 58 bases into the intron before coding-DNA position 1776, C replaced by T.
Molecular consequence: intron variant. On other transcripts: missense variant (1).
Genome position (GRCh38, 1-based): chr19:50,408,727, C>T. VCF-style: chr19-50408727-C-T. GRCh37 (hg19) VCF-style: chr19-50911984-C-T.
Other names: c.1796C>T, p.Ala599Val (NM_001308632.1); c.1776-58C>T (NM_001256849.1, NM_001438212.1, NM_001438213.1 and 2 more transcripts); short protein forms A599V.
Identifiers: ClinVar variation 4852741 (VCV004852741.3).